The following is an entry in ClinVar:

NM_021224.6(ZNF462):c.3047G>A (p.Cys1016Tyr)

Gene: ZNF462 (zinc finger protein 462; plus strand). Cytogenetic location: 9q31.2.
Variant type: single nucleotide variant.
Coding change: c.3047G>A on transcript NM_021224.6 (MANE Select); coding-DNA position 3047, G replaced by A.
Protein change: p.Cys1016Tyr; replaces cysteine 1016 with tyrosine.
Molecular consequence: missense variant.
Genome position (GRCh38, 1-based): chr9:106,926,959, G>A. VCF-style: chr9-106926959-G-A. GRCh37 (hg19) VCF-style: chr9-109689240-G-A.
Other names: p.Cys1016Tyr; c.3047G>A, p.Cys1016Tyr (NM_001347997.2); short protein forms C1016Y.
Identifiers: ClinVar variation 1701968 (VCV001701968.2), dbSNP rs1422121486, ClinGen allele CA374398680.

ClinVar aggregate classification (germline): Uncertain significance (1 of 4 stars; one submission).

Conditions:
Weiss-Kruszka syndrome. Also called: Metopic ridging-ptosis-facial dysmorphism syndrome. Identifiers: Orphanet 502430, MedGen C5568107, MONDO:0032836, OMIM 618619.

Submission:

Foundation for Research in Genetics and Endocrinology, FRIGE's Institute of Human Genetics
Classification: Uncertain significance for Weiss-Kruszka syndrome. Last evaluated: 2022-01-08. Review status: criteria provided, single submitter. Criteria: ACMG Guidelines, 2015. Collection method: clinical testing. Allele origin: germline. Inheritance: Autosomal dominant inheritance. Affected: yes. Observed: 1 heterozygote.
Comment: A heterozygous missense variation in exon3 of ZNF462 gene result in the amino acid substitution of tyrosine for cysteine at codon 1016 was detected. The p.Cys1016Tyr variants has not been reported in the 1000 genomes and gnomAD database. The in silico prediction of the variant are possibly damaging by PolyPhen-2 (HumDiv) and damaging by LRT and MutationTaster2. The reference codon is conserved across species.